The following is an entry in ClinVar:

NM_014476.6(PDLIM3):c.754T>G (p.Ser252Ala)

Gene: PDLIM3 (PDZ and LIM domain 3; minus strand). Cytogenetic location: 4q35.1.
Variant type: single nucleotide variant.
Coding change: c.754T>G on transcript NM_014476.6 (MANE Select); coding-DNA position 754, T replaced by G.
Protein change: p.Ser252Ala; replaces serine 252 with alanine.
Molecular consequence: missense variant. On other transcripts: non-coding transcript variant (1).
Genome position (GRCh38, 1-based): chr4:185,506,561, A>C on the plus strand (T>G on the coding strand, the complement: PDLIM3 is on the minus strand). VCF-style: chr4-185506561-A-C. GRCh37 (hg19) VCF-style: chr4-186427715-A-C.
Other names: c.610T>G, p.Ser204Ala (NM_001114107.5); c.490T>G, p.Ser164Ala (NM_001257962.2); c.253T>G, p.Ser85Ala (NM_001257963.2); short protein forms S252A, S85A, S164A, S204A.
Identifiers: ClinVar variation 3930386 (VCV003930386.1).

ClinVar aggregate classification (germline): Uncertain significance (1 of 4 stars; one submission).

gnomAD v4.1: 1 of 1,613,566 alleles (0.000062%); highest among the groups gnomAD compares: Non-Finnish European, 0.000085%; no homozygotes.

Submission:

Ambry Genetics
Classification: Uncertain significance. Last evaluated: 2025-05-18. Review status: criteria provided, single submitter. Criteria: Ambry Variant Classification Scheme 2023. Collection method: clinical testing. Allele origin: germline.
Comment: The p.S252A variant (also known as c.754T>G), located in coding exon 6 of the PDLIM3 gene, results from a T to G substitution at nucleotide position 754. The serine at codon 252 is replaced by alanine, an amino acid with similar properties. This amino acid position is conserved. In addition, this alteration is predicted to be tolerated by in silico analysis. Based on the available evidence, the clinical significance of this variant remains unclear.